The following is an entry in ClinVar:

ClinVar aggregate classification (germline): Uncertain significance. Review status: criteria provided, multiple submitters, no conflicts (2 of 4 stars). 4 submissions from 4 submitters: Uncertain significance (4). Last evaluated 2024-09-20.

Conditions:
Ehlers-Danlos syndrome (EDS). Identifiers: Orphanet 98249, MedGen C0013720, MONDO:0020066.
Familial thoracic aortic aneurysm and aortic dissection (TAAD). Also called: Thoracic aortic aneurysms and dissections. Identifiers: Orphanet 91387, MedGen C4707243, MONDO:0019625.
Ehlers-Danlos syndrome, kyphoscoliotic type 1 (EDSKSCL1). Also called: PLOD1-Related Kyphoscoliotic Ehlers-Danlos Syndrome; EHLERS-DANLOS SYNDROME, TYPE VIA; Ehlers-Danlos syndrome, hydroxylysine-deficient; EHLERS-DANLOS SYNDROME, OCULAR-SCOLIOTIC TYPE. Identifiers: Orphanet 1900, MedGen C0268342, MONDO:0016002, OMIM 225400. Disease mechanism: loss of function.

Allele frequency attached by ClinVar (database versions not stated): gnomAD 0.00001 and 0.00003; ExAC 0.00013; TOPMed 0.00002.
gnomAD v4.1: 84 of 1,613,726 alleles (0.0052%); highest among the groups gnomAD compares: South Asian, 0.072%; 2 homozygotes.

Submissions (4):

GeneDx
Classification: Uncertain significance. Last evaluated: 2024-09-20. Review status: criteria provided, single submitter. Criteria: GeneDx Variant Classification Process June 2021. Collection method: clinical testing. Allele origin: germline.
Comment: Has not been previously published as pathogenic or benign to our knowledge; In silico analysis supports that this missense variant has a deleterious effect on protein structure/function

Ambry Genetics
Classification: Uncertain significance for Familial thoracic aortic aneurysm and aortic dissection. Last evaluated: 2023-11-30. Review status: criteria provided, single submitter. Criteria: Ambry Variant Classification Scheme 2023. Collection method: clinical testing. Allele origin: germline.
Comment: The p.P406L variant (also known as c.1217C>T), located in coding exon 12 of the PLOD1 gene, results from a C to T substitution at nucleotide position 1217. The proline at codon 406 is replaced by leucine, an amino acid with similar properties. This amino acid position is highly conserved in available vertebrate species. In addition, this alteration is predicted to be deleterious by in silico analysis. Since supporting evidence is limited at this time, the clinical significance of this alteration remains unclear.

Labcorp Genetics (formerly Invitae), Labcorp
Classification: Uncertain significance for Ehlers-Danlos syndrome, kyphoscoliotic type 1. Last evaluated: 2021-09-01. Review status: criteria provided, single submitter. Criteria: Invitae Variant Classification Sherloc (09022015). Collection method: clinical testing. Allele origin: germline.
Comment: This sequence change replaces proline with leucine at codon 406 of the PLOD1 protein (p.Pro406Leu). The proline residue is highly conserved and there is a moderate physicochemical difference between proline and leucine. This variant is present in population databases (rs753623016, ExAC 0.1%). This variant has not been reported in the literature in individuals affected with PLOD1-related conditions. Algorithms developed to predict the effect of missense changes on protein structure and function are either unavailable or do not agree on the potential impact of this missense change (SIFT: "Deleterious"; PolyPhen-2: "Benign"; Align-GVGD: "Class C65"). In summary, the available evidence is currently insufficient to determine the role of this variant in disease. Therefore, it has been classified as a Variant of Uncertain Significance.

Genome Diagnostics Laboratory, The Hospital for Sick Children
Classification: Uncertain significance for Ehlers-Danlos syndrome. Last evaluated: 2019-06-01. Review status: criteria provided, single submitter. Criteria: ACMG Guidelines, 2015. Collection method: clinical testing. Allele origin: germline.

NM_000302.4(PLOD1):c.1217C>T (p.Pro406Leu)

Gene: PLOD1 (procollagen-lysine,2-oxoglutarate 5-dioxygenase 1; plus strand). Cytogenetic location: 1p36.22.
Variant type: single nucleotide variant.
Coding change: c.1217C>T on transcript NM_000302.4 (MANE Select); coding-DNA position 1217, C replaced by T.
Protein change: p.Pro406Leu; replaces proline 406 with leucine.
Molecular consequence: missense variant.
Genome position (GRCh38, 1-based): chr1:11,964,189, C>T. VCF-style: chr1-11964189-C-T. GRCh37 (hg19) VCF-style: chr1-12024246-C-T.
Other names: c.1358C>T, p.Pro453Leu (NM_001316320.2); short protein forms P406L, P453L.
Identifiers: ClinVar variation 1055247 (VCV001055247.13), dbSNP rs753623016, ClinGen allele CA598332.